The following is an entry in ClinVar:

NM_005222.4(DLX6):c.134CGC[6] (p.Pro51_Pro53del)

Genes: DLX6 (distal-less homeobox 6; plus strand), DLX6-AS1 (DLX6 antisense RNA 1; minus strand). Cytogenetic location: 7q21.3.
Variant type: Microsatellite.
Coding change: c.134CGC[6] on transcript NM_005222.4 (MANE Select); six copies in a row of the 3-base unit CGC starting at c.134; the reference has nine copies in a row; three copies, 9 bases deleted.
Protein change: p.Pro51_Pro53del.
Molecular consequence: inframe deletion.
Genome position (GRCh38, 1-based): chr7:97,006,129-97,006,137, CGCCGCCGC deleted; deleting any 9 consecutive bases within chr7:97,006,109-97,006,137 gives the same sequence; the position shown is the placement nearest the transcript's 3' end. VCF-style (leftmost placement, unchanged base first): chr7-97006108-AGCCGCCGCC-A. GRCh37 (hg19) VCF-style: chr7-96635420-AGCCGCCGCC-A.
Other names: c.152_160del9 (NM_005222.3).
Identifiers: ClinVar variation 774129 (VCV000774129.15), dbSNP rs559903070, ClinGen allele CA4353718.

ClinVar aggregate classification (germline): Benign. Review status: criteria provided, multiple submitters, no conflicts (2 of 4 stars). 3 submissions from 3 submitters: Benign (2). 1 of the submissions does not count toward it. Last evaluated 2026-01-15.

Conditions:
DLX6-related disorder. Also called: DLX6-related condition.

Submissions (3):

Labcorp Genetics (formerly Invitae), Labcorp
Classification: Benign. Last evaluated: 2026-01-15. Review status: criteria provided, single submitter. Criteria: Invitae Variant Classification Sherloc (09022015). Collection method: clinical testing. Allele origin: germline.

CeGaT Center for Human Genetics Tuebingen
Classification: Benign. Last evaluated: 2025-12-01. Review status: criteria provided, single submitter. Criteria: CeGaT Center For Human Genetics Tuebingen Variant Classification Criteria Version 2. Collection method: clinical testing. Allele origin: germline. Affected: yes. Observed: 2 variant alleles.
Comment: DLX6: BS1, BS2

PreventionGenetics, part of Exact Sciences
Classification: Benign for DLX6-related condition. Last evaluated: 2020-01-06. Review status: no assertion criteria provided. Collection method: clinical testing. Allele origin: germline. Not counted in ClinVar's aggregate classification.
Comment: This variant is classified as benign based on ACMG/AMP sequence variant interpretation guidelines (Richards et al. 2015 PMID: 25741868, with internal and published modifications).